The following is an entry in ClinVar:

ClinVar aggregate classification (germline): Conflicting classifications of pathogenicity. Review status: criteria provided, conflicting classifications (1 of 4 stars). 2 submissions from 2 submitters: Pathogenic (1); Uncertain significance (1). Last evaluated 2023-08-14.

Conditions:
Cardiovascular phenotype. Identifiers: MedGen CN230736.
Legius syndrome. Identifiers: Orphanet 137605, MedGen C1969623, MONDO:0012669, OMIM 611431. Disease mechanism: loss of function.

Submissions (2):

Ambry Genetics
Classification: Uncertain significance for Cardiovascular phenotype. Last evaluated: 2023-08-14. Review status: criteria provided, single submitter. Criteria: Ambry Variant Classification Scheme 2023. Collection method: clinical testing. Allele origin: germline.
Comment: The p.W404* variant (also known as c.1211G>A), located in coding exon 7 of the SPRED1 gene, results from a G to A substitution at nucleotide position 1211. This changes the amino acid from a tryptophan to a stop codon within coding exon 7. This alteration occurs at the 3' terminus of theSPRED1 gene, is not expected to trigger nonsense-mediated mRNAdecay, and only impacts the last 9% of the protein. The exact functional effect of this alteration is unknown. Since supporting evidence is limited at this time, the clinical significance of this alteration remains unclear.

Labcorp Genetics (formerly Invitae), Labcorp
Classification: Pathogenic for Legius syndrome. Last evaluated: 2022-11-02. Review status: criteria provided, single submitter. Criteria: Invitae Variant Classification Sherloc (09022015). Collection method: clinical testing. Allele origin: germline.
Comment: For these reasons, this variant has been classified as Pathogenic. This variant disrupts a region of the SPRED1 protein in which other variant(s) (p.Cys418Alafs*6) have been determined to be pathogenic (PMID: 19920235; Invitae). This suggests that this is a clinically significant region of the protein, and that variants that disrupt it are likely to be disease-causing. This variant has not been reported in the literature in individuals affected with SPRED1-related conditions. This variant is not present in population databases (gnomAD no frequency). This sequence change creates a premature translational stop signal (p.Trp404*) in the SPRED1 gene. While this is not anticipated to result in nonsense mediated decay, it is expected to disrupt the last 41 amino acid(s) of the SPRED1 protein.

Literature cited by the submitters: PubMed 19920235 (cited by Labcorp Genetics (formerly Invitae), Labcorp).

NM_152594.3(SPRED1):c.1211G>A (p.Trp404Ter)

Gene: SPRED1 (sprouty related EVH1 domain containing 1; plus strand). Cytogenetic location: 15q14.
Variant type: single nucleotide variant.
Coding change: c.1211G>A on transcript NM_152594.3 (MANE Select); coding-DNA position 1211, G replaced by A.
Protein change: p.Trp404Ter; replaces tryptophan 404 with a stop codon.
Molecular consequence: nonsense.
Genome position (GRCh38, 1-based): chr15:38,351,540, G>A. VCF-style: chr15-38351540-G-A. GRCh37 (hg19) VCF-style: chr15-38643741-G-A.
Other names: short protein forms W404*.
Identifiers: ClinVar variation 2587853 (VCV002587853.5), dbSNP rs1888489281, ClinGen allele CA391934569.
Genomic context (GRCh38, chr15:38,351,540, plus strand): 5'-AGGGAGATTTTTCTGATCCCTGTTCGTGTGACACTAGCGACGACAAGTTCTGCTTGCGAT[G>A]GTTAGCCCTGGTAGCTTTGTCTTTCATTGTACCATGTATGTGCTGCTACGTCCCTTTGAG-3'